The following is an entry in ClinVar:

ClinVar aggregate classification (germline): Benign/Likely benign. Review status: criteria provided, multiple submitters, no conflicts (2 of 4 stars). 8 submissions from 8 submitters: Benign (1); Likely benign (5). 2 of the submissions do not count toward it. Last evaluated 2026-01-20.

Conditions:
Nemaline myopathy 2 (NEM2). Also called: Nemaline myopathy 2, autosomal recessive. Identifiers: MedGen C1850569, MONDO:0009725, OMIM 256030.
NEB-related disorder. Also called: NEB-Related Disorders; NEB-related condition.

Allele frequency attached by ClinVar (database versions not stated): gnomAD 0.00226; ESP Exome Variant Server 0.00227; TOPMed 0.00258; 1000 Genomes Project 0.00419; 1000 Genomes Project 30x 0.00531.
gnomAD v4.1: 625 of 1,613,782 alleles (0.039%); highest among the groups gnomAD compares: African/African-American, 0.73%; 1 homozygote.

Submissions (8):

Labcorp Genetics (formerly Invitae), Labcorp
Classification: Benign for Nemaline myopathy 2. Last evaluated: 2026-01-20. Review status: criteria provided, single submitter. Criteria: Invitae Variant Classification Sherloc (09022015). Collection method: clinical testing. Allele origin: germline.

Mayo Clinic Laboratories, Mayo Clinic
Classification: Likely benign. Last evaluated: 2025-04-23. Review status: criteria provided, single submitter. Criteria: ACMG Guidelines, 2015. Collection method: clinical testing. Allele origin: germline. Observed: 1 variant allele.
Comment: BS1, BP4, BP7

Blueprint Genetics
Classification: Likely benign. Last evaluated: 2024-11-13. Review status: criteria provided, single submitter. Criteria: ACMG Guidelines, 2015. Collection method: clinical testing. Allele origin: germline.

GeneDx
Classification: Likely benign. Last evaluated: 2019-10-30. Review status: criteria provided, single submitter. Criteria: GeneDx Variant Classification Process June 2021. Collection method: clinical testing. Allele origin: germline. Affected: yes.

Eurofins Ntd Llc (ga)
Classification: Likely benign. Last evaluated: 2017-11-10. Review status: criteria provided, single submitter. Criteria: EGL Classification Definitions 2015. Collection method: clinical testing. Allele origin: germline. Observed: 1 variant allele, 1 heterozygote.

CeGaT Center for Human Genetics Tuebingen
Classification: Likely benign. Last evaluated: 2017-11-01. Review status: criteria provided, single submitter. Criteria: CeGaT Center For Human Genetics Tuebingen Variant Classification Criteria Version 2. Collection method: clinical testing. Allele origin: germline. Affected: yes. Observed: 1 variant allele.

Natera, Inc.
Classification: Benign for Nemaline myopathy type 2. Last evaluated: 2019-12-09. Review status: no assertion criteria provided. Collection method: clinical testing. Allele origin: germline. Not counted in ClinVar's aggregate classification.

PreventionGenetics, part of Exact Sciences
Classification: Benign for NEB-related condition. Last evaluated: 2019-03-26. Review status: no assertion criteria provided. Collection method: clinical testing. Allele origin: germline. Not counted in ClinVar's aggregate classification.
Comment: This variant is classified as benign based on ACMG/AMP sequence variant interpretation guidelines (Richards et al. 2015 PMID: 25741868, with internal and published modifications).

NM_001164508.2(NEB):c.6615C>G (p.Arg2205=)

Gene: NEB (nebulin; minus strand). Cytogenetic location: 2q23.3.
Variant type: single nucleotide variant.
Coding change: c.6615C>G on transcript NM_001164508.2 (MANE Select); coding-DNA position 6615, C replaced by G.
Protein change: p.Arg2205=; no amino-acid change (arginine 2205 retained).
Molecular consequence: synonymous variant.
Genome position (GRCh38, 1-based): chr2:151,655,904, G>C on the plus strand (C>G on the coding strand, the complement: NEB is on the minus strand). VCF-style: chr2-151655904-G-C. GRCh37 (hg19) VCF-style: chr2-152512418-G-C.
Other names: p.Arg2205=; c.6615C>G, p.Arg2205= (NM_001164507.2, NM_001271208.2, NM_004543.5).
Identifiers: ClinVar variation 387293 (VCV000387293.64), dbSNP rs200018782, ClinGen allele CA1910061.